The following is an entry in ClinVar:

ClinVar aggregate classification (germline): Conflicting classifications of pathogenicity. Review status: criteria provided, conflicting classifications (1 of 4 stars). 2 submissions from 2 submitters: Likely pathogenic (1); Uncertain significance (1). Last evaluated 2025-09-04.

Conditions:
Carnitine palmitoyl transferase II deficiency, neonatal form. Also called: Carnitine palmitoyltransferase II deficiency, lethal neonatal; CARNITINE PALMITOYLTRANSFERASE II DEFICIENCY, ANTENATAL; CARNITINE PALMITOYLTRANSFERASE II DEFICIENCY, NEONATAL; CPT II DEFICIENCY, LETHAL NEONATAL; CPT2 DEFICIENCY, LETHAL NEONATAL. Identifiers: Orphanet 228308, MedGen C1833518, MONDO:0012136, OMIM 608836.

Submissions (2):

Women's Health and Genetics/Laboratory Corporation of America, LabCorp
Classification: Uncertain significance. Last evaluated: 2025-09-04. Review status: criteria provided, single submitter. Criteria: LabCorp Variant Classification Summary - May 2015. Collection method: clinical testing. Allele origin: germline.
Comment: Variant summary: CPT2 c.251G>A (p.Cys84Tyr) results in a non-conservative amino acid change in the encoded protein sequence. Algorithms developed to predict the effect of missense changes on protein structure and function all suggest that this variant is likely to be disruptive. The variant was absent in 251460 control chromosomes. The available data on variant occurrences in the general population are insufficient to allow any conclusion about variant significance. c.251G>A has been observed in the compound heterozygous state in trans with a pathogenic variant in a prenatal case affected with Carnitine Palmitoyltransferase II Deficiency (Domingo-Gallego_2022). These data do not allow any strong conclusion about variant significance. To our knowledge, no experimental evidence demonstrating an impact on protein function has been reported. The following publication has been ascertained in the context of this evaluation (PMID: 33532864). ClinVar contains an entry for this variant (Variation ID: 974480). Based on the evidence outlined above, the variant was classified as uncertain significance.

Molecular Biology Laboratory, Fundació Puigvert
Classification: Likely pathogenic for Carnitine palmitoyl transferase II deficiency, neonatal form. Last evaluated: 2020-02-01. Review status: criteria provided, single submitter. Criteria: ACMG Guidelines, 2015. Collection method: research. Allele origin: paternal. Affected: yes. Study: KidneyPanel_2020.

Literature cited by the submitters: PubMed 33532864 (cited by Women's Health and Genetics/Laboratory Corporation of America, LabCorp and Molecular Biology Laboratory, Fundació Puigvert).

NM_000098.3(CPT2):c.251G>A (p.Cys84Tyr)

Gene: CPT2 (carnitine palmitoyltransferase 2; plus strand). Cytogenetic location: 1p32.3.
Variant type: single nucleotide variant.
Coding change: c.251G>A on transcript NM_000098.3 (MANE Select); coding-DNA position 251, G replaced by A.
Protein change: p.Cys84Tyr; replaces cysteine 84 with tyrosine.
Molecular consequence: missense variant.
Genome position (GRCh38, 1-based): chr1:53,202,340, G>A. VCF-style: chr1-53202340-G-A. GRCh37 (hg19) VCF-style: chr1-53668012-G-A.
Other names: c.251G>A, p.Cys84Tyr (NM_001330589.2); short protein forms C84Y.
Identifiers: ClinVar variation 974480 (VCV000974480.2), dbSNP rs909671156, ClinGen allele CA340389462.